The following is an entry in ClinVar:

NM_000282.4(PCCA):c.1131T>G (p.Ala377=)

Gene: PCCA (propionyl-CoA carboxylase subunit alpha; plus strand). Cytogenetic location: 13q32.3.
Variant type: single nucleotide variant.
Coding change: c.1131T>G on transcript NM_000282.4 (MANE Select); coding-DNA position 1131, T replaced by G.
Protein change: p.Ala377=; no amino-acid change (alanine 377 retained).
Molecular consequence: synonymous variant. On other transcripts: non-coding transcript variant (5), intron variant (3).
Genome position (GRCh38, 1-based): chr13:100,301,525, T>G. VCF-style: chr13-100301525-T-G. GRCh37 (hg19) VCF-style: chr13-100953779-T-G.
Other names: p.Ala377=; c.1053T>G, p.Ala351= (NM_001127692.3, NM_001352607.2); c.1131T>G, p.Ala377= (NM_001178004.2, NM_001352605.2, NM_001352609.2); c.186T>G, p.Ala62= (NM_001352610.2, NM_001352611.2); c.1066-1399T>G (NM_001352606.2); c.121-1399T>G (NM_001352612.2); c.988-1399T>G (NM_001352608.2).
Identifiers: ClinVar variation 387448 (VCV000387448.13), dbSNP rs754991015, ClinGen allele CA7033515.

ClinVar aggregate classification (germline): Likely benign. Review status: criteria provided, multiple submitters, no conflicts (2 of 4 stars). 3 submissions from 3 submitters: Likely benign (3). Last evaluated 2026-01-27.

Conditions:
Propionic acidemia (PROP). Also called: GLYCINEMIA, KETOTIC; HYPERGLYCINEMIA WITH KETOACIDOSIS AND LEUKOPENIA; KETOTIC HYPERGLYCINEMIA. Identifiers: Orphanet 35, MedGen C0268579, MONDO:0011628, OMIM 606054, HP:0003571.

Allele frequency attached by ClinVar (database versions not stated): ExAC 0.00011; gnomAD exomes 0.00014 and 0.00021; TOPMed 0.00014; gnomAD 0.00019.
gnomAD v4.1: 329 of 1,614,008 alleles (0.02%); highest among the groups gnomAD compares: Non-Finnish European, 0.026%; no homozygotes.

Submissions (3):

Labcorp Genetics (formerly Invitae), Labcorp
Classification: Likely benign for Propionic acidemia. Last evaluated: 2026-01-27. Review status: criteria provided, single submitter. Criteria: Invitae Variant Classification Sherloc (09022015). Collection method: clinical testing. Allele origin: germline.

Mayo Clinic Laboratories, Mayo Clinic
Classification: Likely benign. Last evaluated: 2025-06-25. Review status: criteria provided, single submitter. Criteria: ACMG Guidelines, 2015. Collection method: clinical testing. Allele origin: germline. Observed: 3 variant alleles.
Comment: BP4, BP7

GeneDx
Classification: Likely benign. Last evaluated: 2019-02-25. Review status: criteria provided, single submitter. Criteria: GeneDx Variant Classification Process June 2021. Collection method: clinical testing. Allele origin: germline. Affected: yes.